The following is an entry in ClinVar:

NM_000238.4(KCNH2):c.553_581delinsACCGGG (p.Ala185fs)

Gene: KCNH2 (potassium voltage-gated channel subfamily H member 2; minus strand). Cytogenetic location: 7q36.1.
Variant type: Indel.
Coding change: c.553_581delinsACCGGG on transcript NM_000238.4 (MANE Select); coding-DNA positions 553 to 581, GCGGGCGGCGCGGGCGCCCCGGGGGCCGT replaced by ACCGGG.
Protein change: p.Ala185fs; shifts the reading frame from alanine 185.
Molecular consequence: frameshift variant.
Genome position (GRCh38, 1-based): chr7:150,958,394-150,958,422, ACGGCCCCCGGGGCGCCCGCGCCGCCCGC replaced by CCCGGT on the plus strand (GCGGGCGGCGCGGGCGCCCCGGGGGCCGT replaced by ACCGGG on the coding strand, the reverse complement: KCNH2 is on the minus strand). GRCh37 (hg19): chr7:150,655,482-150,655,510.
Other names: c.553_581delGCGGGCGGCGCGGGCGCCCCGGGGGCCGTinsACCGGG (NM_000238.2); c.553_581del29insACCGGG, p.Ala185Thrfs (NM_172056.3); c.265_293del29insACCGGG, p.Ala89Thrfs (NM_001406753.1, NM_001406756.1); c.376_404del29insACCGGG, p.Ala126Thrfs (NM_001406755.1); c.253_281del29insACCGGG, p.Ala85Thrfs (NM_001406757.1); short protein forms A185fs.
Identifiers: ClinVar variation 1202184 (VCV001202184.7), dbSNP rs2117006178, ClinGen allele CA2499218813.

ClinVar aggregate classification (germline): Likely pathogenic (1 of 4 stars; one submission).

Submission:

GeneDx
Classification: Likely pathogenic. Last evaluated: 2022-01-11. Review status: criteria provided, single submitter. Criteria: GeneDx Variant Classification Process June 2021. Collection method: clinical testing. Allele origin: germline. Affected: yes.
Comment: Has not been previously published as pathogenic or benign to our knowledge; Not observed at significant frequency in large population cohorts (gnomAD); Frameshift variant predicted to result in protein truncation or nonsense mediated decay in a gene for which loss-of-function is a known mechanism of disease